The following is an entry in ClinVar:

NM_000057.4(BLM):c.1526C>T (p.Pro509Leu)

Gene: BLM (BLM RecQ like helicase; plus strand). Cytogenetic location: 15q26.1.
Variant type: single nucleotide variant.
Coding change: c.1526C>T on transcript NM_000057.4 (MANE Select); coding-DNA position 1526, C replaced by T.
Protein change: p.Pro509Leu; replaces proline 509 with leucine.
Molecular consequence: missense variant.
Genome position (GRCh38, 1-based): chr15:90,760,899, C>T. VCF-style: chr15-90760899-C-T. GRCh37 (hg19) VCF-style: chr15-91304129-C-T.
Other names: c.1526C>T, p.Pro509Leu (NM_001287246.2, NM_001287247.2); c.401C>T, p.Pro134Leu (NM_001287248.2); short protein forms P134L, P509L.
Identifiers: ClinVar variation 951736 (VCV000951736.10), dbSNP rs1457782246, ClinGen allele CA393843252.
Genomic context (GRCh38, chr15:90,760,899, plus strand): 5'-GGCCTTTATTCAATACCCATTTACAGAAGTCCTTTGTAAGTAGCAACTGGGCTGAAACAC[C>T]AAGACTAGGAAAAAAAAATGAAAGCTCTTATTTCCCAGGAAATGTTCTCACAAGCACTGC-3'
Protein context (NP_000048.1, residues 499-519): SFVSSNWAET[Pro509Leu]RLGKKNESSY

ClinVar aggregate classification (germline): Uncertain significance (1 of 4 stars; one submission).

Conditions:
Bloom syndrome (BLM). Also called: Bloom-Torre-Machacek syndrome. Identifiers: Orphanet 125, MedGen C0005859, MONDO:0008876, OMIM 210900.

Submission:

Labcorp Genetics (formerly Invitae), Labcorp
Classification: Uncertain significance for Bloom syndrome. Last evaluated: 2023-07-17. Review status: criteria provided, single submitter. Criteria: Invitae Variant Classification Sherloc (09022015). Collection method: clinical testing. Allele origin: germline.
Comment: In summary, the available evidence is currently insufficient to determine the role of this variant in disease. Therefore, it has been classified as a Variant of Uncertain Significance. Advanced modeling of protein sequence and biophysical properties (such as structural, functional, and spatial information, amino acid conservation, physicochemical variation, residue mobility, and thermodynamic stability) performed at Invitae indicates that this missense variant is not expected to disrupt BLM protein function. ClinVar contains an entry for this variant (Variation ID: 951736). This variant has not been reported in the literature in individuals affected with BLM-related conditions. This variant is not present in population databases (gnomAD no frequency). This sequence change replaces proline, which is neutral and non-polar, with leucine, which is neutral and non-polar, at codon 509 of the BLM protein (p.Pro509Leu).